The following is an entry in ClinVar:

NM_024596.5(MCPH1):c.2386G>A (p.Val796Ile)

Genes: MCPH1 (microcephalin 1; plus strand), MCPH1-AS1 (MCPH1 antisense RNA 1; minus strand). Cytogenetic location: 8p23.1.
Variant type: single nucleotide variant.
Coding change: c.2386G>A on transcript NM_024596.5 (MANE Select); coding-DNA position 2386, G replaced by A.
Protein change: p.Val796Ile; replaces valine 796 with isoleucine.
Molecular consequence: missense variant. On other transcripts: non-coding transcript variant (1).
Genome position (GRCh38, 1-based): chr8:6,621,625, G>A. VCF-style: chr8-6621625-G-A. GRCh37 (hg19) VCF-style: chr8-6479146-G-A.
Other names: c.2386G>A, p.Val796Ile (NM_001322042.2, NM_001363979.1, NM_001410917.1); c.2107G>A, p.Val703Ile (NM_001363980.2); c.2386G>A (NM_024596.3); short protein forms V796I, V703I.
Identifiers: ClinVar variation 2175936 (VCV002175936.2), dbSNP rs374800057, ClinGen allele CA4611519.

ClinVar aggregate classification (germline): Uncertain significance. Review status: criteria provided, multiple submitters, no conflicts (2 of 4 stars). 2 submissions from 2 submitters: Uncertain significance (2). Last evaluated 2024-01-22.

Conditions:
Inborn genetic diseases. Identifiers: MedGen C0950123, MeSH D030342.

Allele frequency attached by ClinVar (database versions not stated): gnomAD 0.00002; ExAC 0.00004; ESP Exome Variant Server 0.00008; 1000 Genomes Project 0.00040; 1000 Genomes Project 30x 0.00047.
gnomAD v4.1: 48 of 1,614,196 alleles (0.003%); highest among the groups gnomAD compares: African/African-American, 0.0053%; no homozygotes.

Submissions (2):

Ambry Genetics
Classification: Uncertain significance for Inborn genetic diseases. Last evaluated: 2024-01-22. Review status: criteria provided, single submitter. Criteria: Ambry Variant Classification Scheme 2023. Collection method: clinical testing. Allele origin: germline.

Labcorp Genetics (formerly Invitae), Labcorp
Classification: Uncertain significance. Last evaluated: 2022-06-13. Review status: criteria provided, single submitter. Criteria: Invitae Variant Classification Sherloc (09022015). Collection method: clinical testing. Allele origin: germline.
Comment: This sequence change replaces valine, which is neutral and non-polar, with isoleucine, which is neutral and non-polar, at codon 796 of the MCPH1 protein (p.Val796Ile). This variant is present in population databases (rs374800057, gnomAD 0.01%). This variant has not been reported in the literature in individuals affected with MCPH1-related conditions. Algorithms developed to predict the effect of missense changes on protein structure and function output the following: SIFT: "Not Available"; PolyPhen-2: "Benign"; Align-GVGD: "Not Available". The isoleucine amino acid residue is found in multiple mammalian species, which suggests that this missense change does not adversely affect protein function. In summary, the available evidence is currently insufficient to determine the role of this variant in disease. Therefore, it has been classified as a Variant of Uncertain Significance.